The following is an entry in ClinVar:

NM_001365276.2(TNXB):c.5954C>G (p.Pro1985Arg)

Gene: TNXB (tenascin XB; minus strand). Cytogenetic location: 6p21.33.
Variant type: single nucleotide variant.
Coding change: c.5954C>G on transcript NM_001365276.2 (MANE Select); coding-DNA position 5954, C replaced by G.
Protein change: p.Pro1985Arg; replaces proline 1985 with arginine.
Molecular consequence: missense variant.
Genome position (GRCh38, 1-based): chr6:32,068,656, G>C on the plus strand (C>G on the coding strand, the complement: TNXB is on the minus strand). VCF-style: chr6-32068656-G-C. GRCh37 (hg19) VCF-style: chr6-32036433-G-C.
Other names: c.6695C>G, p.Pro2232Arg (NM_001428335.1); c.5954C>G, p.Pro1985Arg (NM_019105.8); short protein forms P1985R, P2232R.
Identifiers: ClinVar variation 5031011 (VCV005031011.1).

ClinVar aggregate classification (germline): Uncertain significance (1 of 4 stars; one submission).

Conditions:
Cardiovascular phenotype. Identifiers: MedGen CN230736.

gnomAD v4.1: 5 of 1,613,950 alleles (0.00031%); highest among the groups gnomAD compares: South Asian, 0.0033%; no homozygotes.

Submission:

Ambry Genetics
Classification: Uncertain significance for Cardiovascular phenotype. Last evaluated: 2026-06-27. Review status: criteria provided, single submitter. Criteria: Ambry Variant Classification Scheme 2023. Collection method: clinical testing. Allele origin: germline.
Comment: The p.P1985R variant (also known as c.5954C>G), located in coding exon 16 of the TNXB gene, results from a C to G substitution at nucleotide position 5954. The proline at codon 1985 is replaced by arginine, an amino acid with dissimilar properties. This amino acid position is conserved. In addition, this alteration is predicted to be tolerated by in silico analysis. Based on the available evidence, the clinical significance of this variant remains unclear.